The following is an entry in ClinVar:

ClinVar aggregate classification (germline): Likely pathogenic. Review status: criteria provided, multiple submitters, no conflicts (2 of 4 stars). 2 submissions from 2 submitters: Likely pathogenic (2). Last evaluated 2023-09-19.

Conditions:
Tuberous sclerosis 2 (TSC2). Identifiers: Orphanet 805, MedGen C1860707, MONDO:0013199, OMIM 613254.
Hereditary cancer-predisposing syndrome. Also called: Neoplastic Syndromes, Hereditary; Hereditary Cancer Syndrome; Hereditary neoplastic syndrome; Tumor predisposition. Identifiers: Orphanet 140162, MedGen C0027672, MeSH D009386, MONDO:0015356.

Submissions (2):

Ambry Genetics
Classification: Likely pathogenic for Hereditary cancer-predisposing syndrome. Last evaluated: 2023-09-19. Review status: criteria provided, single submitter. Criteria: Ambry Variant Classification Scheme 2023. Collection method: clinical testing. Allele origin: germline.
Comment: The c.3096A>G variant (also known as p.R1032R), located in coding exon 26 of the TSC2 gene, results from an A to G substitution at nucleotide position 3096. This nucleotide substitution does not change the arginine at codon 1032. This alteration has been observed in at least one individual with a personal and/or family history that is consistent with TSC2-related disease (Ambry internal data). In addition, this variant has been determined to be the result of a de novo mutation in one individual with cardiac rhabdomyomas (external communication). This variant is considered to be rare based on population cohorts in the Genome Aggregation Database (gnomAD). This nucleotide position is well conserved in available vertebrate species. In silico splice site analysis predicts that this alteration will weaken the native splice donor site and will result in the creation or strengthening of a novel splice donor site. RNA studies have demonstrated that this alteration results in abnormal splicing in the set of samples tested (Ambry internal data). Based on the majority of available evidence to date, this variant is likely to be pathogenic.

Labcorp Genetics (formerly Invitae), Labcorp
Classification: Likely pathogenic for Tuberous sclerosis 2. Last evaluated: 2021-08-05. Review status: criteria provided, single submitter. Criteria: Invitae Variant Classification Sherloc (09022015). Collection method: clinical testing. Allele origin: germline.
Comment: This sequence change affects codon 1032 of the TSC2 mRNA. It is a 'silent' change, meaning that it does not change the encoded amino acid sequence of the TSC2 protein. This variant is not present in population databases (ExAC no frequency). This variant has been observed in individual(s) with clinical features of tuberous sclerosis complex (Invitae). In at least one individual the variant was observed to be de novo. ClinVar contains an entry for this variant (Variation ID: 851678). Algorithms developed to predict the effect of sequence changes on RNA splicing suggest that this variant may create or strengthen a splice site. In summary, the currently available evidence indicates that the variant is pathogenic, but additional data are needed to prove that conclusively. Therefore, this variant has been classified as Likely Pathogenic.

NM_000548.5(TSC2):c.3096A>G (p.Arg1032=)

Gene: TSC2 (TSC complex subunit 2; plus strand). Cytogenetic location: 16p13.3.
Variant type: single nucleotide variant.
Coding change: c.3096A>G on transcript NM_000548.5 (MANE Select); coding-DNA position 3096, A replaced by G.
Protein change: p.Arg1032=; no amino-acid change (arginine 1032 retained).
Molecular consequence: synonymous variant.
Genome position (GRCh38, 1-based): chr16:2,079,161, A>G. VCF-style: chr16-2079161-A-G. GRCh37 (hg19) VCF-style: chr16-2129162-A-G.
Other names: c.2964A>G, p.Arg988= (NM_001077183.3, NM_001370404.1); c.3096A>G, p.Arg1032= (NM_001114382.3); c.2856A>G, p.Arg952= (NM_001318827.2); c.2820A>G, p.Arg940= (NM_001318829.2); c.2364A>G, p.Arg788= (NM_001318831.2); c.2997A>G, p.Arg999= (NM_001318832.2); c.2967A>G, p.Arg989= (NM_001363528.2, NM_001370405.1, NM_021055.3).
Identifiers: ClinVar variation 851678 (VCV000851678.10), dbSNP rs2089803859, ClinGen allele CA493042763.